The following is an entry in ClinVar:

NM_003737.4(DCHS1):c.1A>T (p.Met1Leu)

Gene: DCHS1 (dachsous cadherin-related 1; minus strand). Cytogenetic location: 11p15.4.
Variant type: single nucleotide variant.
Coding change: c.1A>T on transcript NM_003737.4 (MANE Select); coding-DNA position 1, A replaced by T.
Protein change: p.Met1Leu; changes the start codon (methionine 1).
Molecular consequence: missense variant, initiator codon variant.
Genome position (GRCh38, 1-based): chr11:6,641,613, T>A on the plus strand (A>T on the coding strand, the complement: DCHS1 is on the minus strand). VCF-style: chr11-6641613-T-A. GRCh37 (hg19) VCF-style: chr11-6662844-T-A.
Other names: short protein forms M1L.
Identifiers: ClinVar variation 3667589 (VCV003667589.2).

ClinVar aggregate classification (germline): Uncertain significance (1 of 4 stars; one submission).

Submission:

Labcorp Genetics (formerly Invitae), Labcorp
Classification: Uncertain significance. Last evaluated: 2025-04-11. Review status: criteria provided, single submitter. Criteria: Invitae Variant Classification Sherloc (09022015). Collection method: clinical testing. Allele origin: germline.
Comment: This sequence change affects the initiator methionine of the DCHS1 mRNA. The next in-frame methionine is located at codon 14. This variant is not present in population databases (gnomAD no frequency). This variant has not been reported in the literature in individuals affected with DCHS1-related conditions. ClinVar contains an entry for this variant (Variation ID: 3667589). Experimental studies and prediction algorithms are not available or were not evaluated, and the functional significance of this variant is currently unknown. In summary, the available evidence is currently insufficient to determine the role of this variant in disease. Therefore, it has been classified as a Variant of Uncertain Significance.